The following is an entry in ClinVar:

NM_001287.6(CLCN7):c.610_612delinsTGG (p.Ser204Trp)

Gene: CLCN7 (chloride voltage-gated channel 7; minus strand). Cytogenetic location: 16p13.3.
Variant type: Indel.
Coding change: c.610_612delinsTGG on transcript NM_001287.6 (MANE Select); coding-DNA positions 610 to 612, AGC replaced by TGG.
Protein change: p.Ser204Trp; replaces serine 204 with tryptophan.
Molecular consequence: missense variant.
Genome position (GRCh38, 1-based): chr16:1,459,170-1,459,172, GCT replaced by CCA on the plus strand (AGC replaced by TGG on the coding strand, the reverse complement: CLCN7 is on the minus strand). VCF-style: chr16-1459170-GCT-CCA. GRCh37 (hg19) VCF-style: chr16-1509171-GCT-CCA.
Other names: c.538_540delinsTGG, p.Ser180Trp (NM_001114331.3); short protein forms S180W, S204W.
Identifiers: ClinVar variation 3637164 (VCV003637164.2).

ClinVar aggregate classification (germline): Likely pathogenic (1 of 4 stars; one submission).

Submission:

Labcorp Genetics (formerly Invitae), Labcorp
Classification: Likely pathogenic. Last evaluated: 2024-04-29. Review status: criteria provided, single submitter. Criteria: Invitae Variant Classification Sherloc (09022015). Collection method: clinical testing. Allele origin: germline.
Comment: This sequence change replaces serine, which is neutral and polar, with tryptophan, which is neutral and slightly polar, at codon 204 of the CLCN7 protein (p.Ser204Trp). Information on the frequency of this variant in the gnomAD database is not available, as this variant may be reported differently in the database. This missense change has been observed in individuals with autosomal recessive infantile malignant osteopetrosis (PMID: 29926385; Invitae). It has also been observed to segregate with disease in related individuals. This variant is also known as c.[610A>T;612C>G] . Advanced modeling of protein sequence and biophysical properties (such as structural, functional, and spatial information, amino acid conservation, physicochemical variation, residue mobility, and thermodynamic stability) performed at Invitae indicates that this missense variant is expected to disrupt CLCN7 protein function with a positive predictive value of 95%. In summary, the currently available evidence indicates that the variant is pathogenic, but additional data are needed to prove that conclusively. Therefore, this variant has been classified as Likely Pathogenic.

Literature cited by the submitters: PubMed 29926385.